The following is an entry in ClinVar:

NM_001378615.1(CC2D2A):c.2399A>G (p.Lys800Arg)

Genes: CC2D2A (coiled-coil and C2 domain containing 2A; plus strand), FBXL5 (F-box and leucine rich repeat protein 5; minus strand). Cytogenetic location: 4p15.32.
Variant type: single nucleotide variant.
Coding change: c.2399A>G on transcript NM_001378615.1 (MANE Select); coding-DNA position 2399, A replaced by G.
Protein change: p.Lys800Arg; replaces lysine 800 with arginine.
Molecular consequence: missense variant.
Genome position (GRCh38, 1-based): chr4:15,553,218, A>G. VCF-style: chr4-15553218-A-G. GRCh37 (hg19) VCF-style: chr4-15554841-A-G.
Other names: c.2399A>G, p.Lys800Arg (NM_001080522.2); c.2252A>G, p.Lys751Arg (NM_001378617.1); short protein forms K751R, K800R.
Identifiers: ClinVar variation 1435903 (VCV001435903.8), dbSNP rs1287026947, ClinGen allele CA356419009.

ClinVar aggregate classification (germline): Uncertain significance (1 of 4 stars; one submission).

Conditions:
Joubert syndrome. Also called: JOUBERT-BOLTSHAUSER SYNDROME; Familial aplasia of the vermis. Identifiers: Orphanet 475, MedGen C5979921, MONDO:0018772.
Meckel-Gruber syndrome. Also called: DYSENCEPHALIA SPLANCHNOCYSTICA; GRUBER SYNDROME; Dysencephalia splachnocystica. Identifiers: Orphanet 564, MedGen C0265215, MONDO:0018921.

Allele frequency attached by ClinVar (database versions not stated): TOPMed below 0.00001; gnomAD 0.00001.
gnomAD v4.1: 1 of 1,612,230 alleles (0.000062%); highest among the groups gnomAD compares: Non-Finnish European, 0.000085%; no homozygotes.

Submission:

Labcorp Genetics (formerly Invitae), Labcorp
Classification: Uncertain significance for Joubert syndrome; Meckel-Gruber syndrome. Last evaluated: 2021-01-29. Review status: criteria provided, single submitter. Criteria: Invitae Variant Classification Sherloc (09022015). Collection method: clinical testing. Allele origin: germline.
Comment: In summary, the available evidence is currently insufficient to determine the role of this variant in disease. Therefore, it has been classified as a Variant of Uncertain Significance. This variant is not present in population databases (ExAC no frequency). Advanced modeling of protein sequence and biophysical properties (such as structural, functional, and spatial information, amino acid conservation, physicochemical variation, residue mobility, and thermodynamic stability) performed at Invitae indicates that this missense variant is not expected to disrupt CC2D2A protein function. This variant has not been reported in the literature in individuals with CC2D2A-related conditions. This sequence change replaces lysine with arginine at codon 800 of the CC2D2A protein (p.Lys800Arg). The lysine residue is moderately conserved and there is a small physicochemical difference between lysine and arginine.